The following is an entry in ClinVar:

NM_000368.5(TSC1):c.2041+5del

Gene: TSC1 (TSC complex subunit 1; minus strand). Cytogenetic location: 9q34.13.
Variant type: Deletion.
Coding change: c.2041+5del on transcript NM_000368.5 (MANE Select); 5 bases into the intron after coding-DNA position 2041, one base deleted (A; older notation c.2041+5delA).
Molecular consequence: intron variant.
Genome position (GRCh38, 1-based): chr9:132,904,406, T deleted on the plus strand (A on the coding strand, the reverse complement: TSC1 is on the minus strand); the first of 3 consecutive T bases (chr9:132,904,406-132,904,408); deleting any one gives the same sequence. VCF-style (leftmost placement, unchanged base first): chr9-132904405-CT-C. GRCh37 (hg19) VCF-style: chr9-135779792-CT-C.
Other names: c.2041+5delA (NM_000368.4); c.1678+5del (NM_001362177.2); c.1888+5del (NM_001162427.2); c.2038+5del (NM_001162426.2).
Identifiers: ClinVar variation 576007 (VCV000576007.18), dbSNP rs1564479424, ClinGen allele CA891843354.

ClinVar aggregate classification (germline): Conflicting classifications of pathogenicity. Review status: criteria provided, conflicting classifications (1 of 4 stars). 5 submissions from 5 submitters: Uncertain significance (3); Likely benign (2). Last evaluated 2025-08-20.

Conditions:
Tuberous sclerosis syndrome (TSC). Also called: Tuberous Sclerosis Complex; Tuberous sclerosis. Identifiers: Orphanet 805, MedGen C0041341, MONDO:0001734.
Tuberous sclerosis 1 (TSC1). Identifiers: Orphanet 805, MedGen C1854465, MONDO:0008612, OMIM 191100.
Hereditary cancer-predisposing syndrome. Also called: Hereditary neoplastic syndrome; Tumor predisposition; Hereditary Cancer Syndrome; Neoplastic Syndromes, Hereditary. Identifiers: Orphanet 140162, MedGen C0027672, MeSH D009386, MONDO:0015356.

Submissions (5):

Ambry Genetics
Classification: Uncertain significance for Hereditary cancer-predisposing syndrome. Last evaluated: 2025-08-20. Review status: criteria provided, single submitter. Criteria: Ambry Variant Classification Scheme 2023. Collection method: clinical testing. Allele origin: germline.
Comment: The c.2041+5delA intronic variant is located 5 nucleotides after coding exon 14 of the TSC1 gene. This variant results from a deletion of one nucleotide at position c.2041+5. This nucleotide position is not well conserved in available vertebrate species. In silico splice site analysis predicts that this alteration will not have any significant effect on splicing. Based on the available evidence, the clinical significance of this variant remains unclear.

Labcorp Genetics (formerly Invitae), Labcorp
Classification: Uncertain significance for Tuberous sclerosis 1. Last evaluated: 2025-05-05. Review status: criteria provided, single submitter. Criteria: Invitae Variant Classification Sherloc (09022015). Collection method: clinical testing. Allele origin: germline.
Comment: This sequence change falls in intron 16 of the TSC1 gene. It does not directly change the encoded amino acid sequence of the TSC1 protein. It affects a nucleotide within the consensus splice site. This variant is not present in population databases (gnomAD no frequency). This variant has not been reported in the literature in individuals affected with TSC1-related conditions. ClinVar contains an entry for this variant (Variation ID: 576007). Variants that disrupt the consensus splice site are a relatively common cause of aberrant splicing (PMID: 17576681, 9536098). Algorithms developed to predict the effect of sequence changes on RNA splicing suggest that this variant is not likely to affect RNA splicing. In summary, the available evidence is currently insufficient to determine the role of this variant in disease. Therefore, it has been classified as a Variant of Uncertain Significance.

All of Us Research Program, National Institutes of Health
Classification: Uncertain significance for Tuberous sclerosis syndrome. Last evaluated: 2024-09-23. Review status: criteria provided, single submitter. Criteria: ACMG Guidelines, 2015. Collection method: clinical testing. Allele origin: germline. Inheritance: Autosomal dominant inheritance. Observed: 1 variant allele, 1 heterozygote.
Comment: This study involves interpretation of variants in research participants for the purpose of population health screening. Participant phenotype was not available at the time of variant classification. Additional details can be found in publication PMID: 35346344, PMCID: PMC8962531

Genome-Nilou Lab
Classification: Likely benign for Tuberous sclerosis 1. Last evaluated: 2021-11-07. Review status: criteria provided, single submitter. Criteria: ACMG Guidelines, 2015. Collection method: clinical testing. Allele origin: germline. Affected: no.

GeneDx
Classification: Likely benign. Last evaluated: 2018-03-22. Review status: criteria provided, single submitter. Criteria: GeneDx Variant Classification (06012015). Collection method: clinical testing. Allele origin: germline. Affected: yes.
Comment: This variant is considered likely benign or benign based on one or more of the following criteria: it is a conservative change, it occurs at a poorly conserved position in the protein, it is predicted to be benign by multiple in silico algorithms, and/or has population frequency not consistent with disease.

Literature cited by the submitters: PubMed 17576681 (cited by Labcorp Genetics (formerly Invitae), Labcorp); PubMed 9536098 (cited by Labcorp Genetics (formerly Invitae), Labcorp).